The following is an entry in ClinVar:

ClinVar aggregate classification (germline): Uncertain significance. Review status: criteria provided, multiple submitters, no conflicts (2 of 4 stars). 2 submissions from 2 submitters: Uncertain significance (2). Last evaluated 2024-10-18.

Conditions:
Facioscapulohumeral muscular dystrophy 2 (FSHD2). Also called: MUSCULAR DYSTROPHY, FACIOSCAPULOHUMERAL, TYPE 1B; FACIOSCAPULOHUMERAL MUSCULAR DYSTROPHY 2, DIGENIC; FSHD2, DIGENIC. Identifiers: Orphanet 269, MedGen C1834671, MONDO:0008031, OMIM 158901.

Allele frequency attached by ClinVar (database versions not stated): gnomAD exomes 0.00001; TOPMed 0.00001; ExAC 0.00002.
gnomAD v4.1: 2 of 1,490,026 alleles (0.00013%); highest among the groups gnomAD compares: Admixed American, 0.0026%; no homozygotes.

Submissions (2):

Labcorp Genetics (formerly Invitae), Labcorp
Classification: Uncertain significance for Facioscapulohumeral muscular dystrophy 2. Last evaluated: 2024-10-18. Review status: criteria provided, single submitter. Criteria: Invitae Variant Classification Sherloc (09022015). Collection method: clinical testing. Allele origin: germline.
Comment: This sequence change replaces aspartic acid, which is acidic and polar, with histidine, which is basic and polar, at codon 19 of the SMCHD1 protein (p.Asp19His). The frequency data for this variant in the population databases is considered unreliable, as metrics indicate poor data quality at this position in the gnomAD database. This variant has not been reported in the literature in individuals affected with SMCHD1-related conditions. ClinVar contains an entry for this variant (Variation ID: 283671). An algorithm developed to predict the effect of missense changes on protein structure and function (PolyPhen-2) suggests that this variant is likely to be tolerated. In summary, the available evidence is currently insufficient to determine the role of this variant in disease. Therefore, it has been classified as a Variant of Uncertain Significance.

Eurofins Ntd Llc (ga)
Classification: Uncertain significance. Last evaluated: 2015-10-22. Review status: criteria provided, single submitter. Criteria: EGL Classification Definitions 2015. Collection method: clinical testing. Allele origin: germline. Observed: 1 variant allele, 1 heterozygote.

NM_015295.3(SMCHD1):c.55G>C (p.Asp19His)

Gene: SMCHD1 (structural maintenance of chromosomes flexible hinge domain containing 1; plus strand). Cytogenetic location: 18p11.32.
Variant type: single nucleotide variant.
Coding change: c.55G>C on transcript NM_015295.3 (MANE Select); coding-DNA position 55, G replaced by C.
Protein change: p.Asp19His; replaces aspartic acid 19 with histidine.
Molecular consequence: missense variant.
Genome position (GRCh38, 1-based): chr18:2,656,130, G>C. VCF-style: chr18-2656130-G-C. GRCh37 (hg19) VCF-style: chr18-2656129-G-C.
Other names: short protein forms D19H.
Identifiers: ClinVar variation 283671 (VCV000283671.10), dbSNP rs748596758, ClinGen allele CA8870451.